The following is an entry in ClinVar:

ClinVar aggregate classification (germline): Uncertain significance. Review status: criteria provided, multiple submitters, no conflicts (2 of 4 stars). 2 submissions from 2 submitters: Uncertain significance (2). Last evaluated 2025-10-06.

Conditions:
Hereditary nonpolyposis colorectal neoplasms. Identifiers: MedGen C0009405, MeSH D003123.
Hereditary cancer-predisposing syndrome. Also called: Tumor predisposition; Neoplastic Syndromes, Hereditary; Hereditary neoplastic syndrome; Hereditary Cancer Syndrome. Identifiers: Orphanet 140162, MedGen C0027672, MeSH D009386, MONDO:0015356.

Allele frequency attached by ClinVar (database versions not stated): gnomAD exomes below 0.00001.

Submissions (2):

Labcorp Genetics (formerly Invitae), Labcorp
Classification: Uncertain significance for Hereditary nonpolyposis colorectal neoplasms. Last evaluated: 2025-10-06. Review status: criteria provided, single submitter. Criteria: Invitae Variant Classification Sherloc (09022015). Collection method: clinical testing. Allele origin: germline.
Comment: This sequence change replaces tyrosine, which is neutral and polar, with aspartic acid, which is acidic and polar, at codon 535 of the MSH6 protein (p.Tyr535Asp). This variant is not present in population databases (gnomAD no frequency). This variant has not been reported in the literature in individuals affected with MSH6-related conditions. ClinVar contains an entry for this variant (Variation ID: 1516915). Invitae Evidence Modeling of protein sequence and biophysical properties (such as structural, functional, and spatial information, amino acid conservation, physicochemical variation, residue mobility, and thermodynamic stability) indicates that this missense variant is not expected to disrupt MSH6 protein function with a negative predictive value of 95%. In summary, the available evidence is currently insufficient to determine the role of this variant in disease. Therefore, it has been classified as a Variant of Uncertain Significance.

Ambry Genetics
Classification: Uncertain significance for Hereditary cancer-predisposing syndrome. Last evaluated: 2021-04-02. Review status: criteria provided, single submitter. Criteria: Ambry Variant Classification Scheme 2023. Collection method: clinical testing. Allele origin: germline.

NM_000179.3(MSH6):c.1603T>G (p.Tyr535Asp)

Gene: MSH6 (mutS homolog 6; plus strand). Cytogenetic location: 2p16.3.
Variant type: single nucleotide variant.
Coding change: c.1603T>G on transcript NM_000179.3 (MANE Select); coding-DNA position 1603, T replaced by G.
Protein change: p.Tyr535Asp; replaces tyrosine 535 with aspartic acid.
Molecular consequence: missense variant.
Genome position (GRCh38, 1-based): chr2:47,799,586, T>G. VCF-style: chr2-47799586-T-G. GRCh37 (hg19) VCF-style: chr2-48026725-T-G.
Other names: c.1213T>G, p.Tyr405Asp (NM_001281492.2); c.697T>G, p.Tyr233Asp (NM_001281493.2, NM_001281494.2); c.1603T>G (NM_000179.2); short protein forms Y405D, Y535D, Y233D.
Identifiers: ClinVar variation 1516915 (VCV001516915.9), dbSNP rs2104354716, ClinGen allele CA346746973.